The following is an entry in ClinVar:

NM_001360.3(DHCR7):c.766G>T (p.Ala256Ser)

Gene: DHCR7 (7-dehydrocholesterol reductase; minus strand). Cytogenetic location: 11q13.4.
Variant type: single nucleotide variant.
Coding change: c.766G>T on transcript NM_001360.3 (MANE Select); coding-DNA position 766, G replaced by T.
Protein change: p.Ala256Ser; replaces alanine 256 with serine.
Molecular consequence: missense variant.
Genome position (GRCh38, 1-based): chr11:71,438,944, C>A on the plus strand (G>T on the coding strand, the complement: DHCR7 is on the minus strand). VCF-style: chr11-71438944-C-A. GRCh37 (hg19) VCF-style: chr11-71149990-C-A.
Other names: c.766G>T, p.Ala256Ser (NM_001163817.2); short protein forms A256S.
Identifiers: ClinVar variation 848265 (VCV000848265.7), dbSNP rs772639348, ClinGen allele CA6162467.

ClinVar aggregate classification (germline): Uncertain significance. Review status: criteria provided, single submitter (1 of 4 stars). 2 submissions from 2 submitters: Uncertain significance (1). 1 of the submissions does not count toward it. Last evaluated 2021-08-27.

Conditions:
Smith-Lemli-Opitz syndrome (SLOS). Also called: POLYDACTYLY, SEX REVERSAL, RENAL HYPOPLASIA, AND UNILOBAR LUNG; RSH SYNDROME; RUTLEDGE LETHAL MULTIPLE CONGENITAL ANOMALY SYNDROME; LETHAL ACRODYSGENITAL SYNDROME; 7-Dehydrocholesterol reductase deficiency. Identifiers: Orphanet 818, MedGen C0175694, MONDO:0010035, OMIM 270400.

Submissions (2):

Labcorp Genetics (formerly Invitae), Labcorp
Classification: Uncertain significance for Smith-Lemli-Opitz syndrome. Last evaluated: 2021-08-27. Review status: criteria provided, single submitter. Criteria: Invitae Variant Classification Sherloc (09022015). Collection method: clinical testing. Allele origin: germline.
Comment: This sequence change replaces alanine with serine at codon 256 of the DHCR7 protein (p.Ala256Ser). The alanine residue is highly conserved and there is a moderate physicochemical difference between alanine and serine. This variant is present in population databases (rs772639348, ExAC 0.002%). This variant has not been reported in the literature in individuals affected with DHCR7-related conditions. Algorithms developed to predict the effect of missense changes on protein structure and function are either unavailable or do not agree on the potential impact of this missense change (SIFT: "Tolerated"; PolyPhen-2: "Possibly Damaging"; Align-GVGD: "Class C15"). In summary, the available evidence is currently insufficient to determine the role of this variant in disease. Therefore, it has been classified as a Variant of Uncertain Significance.

Natera, Inc.
Classification: Uncertain significance for Smith-Lemli-Opitz syndrome. Last evaluated: 2020-03-24. Review status: no assertion criteria provided. Collection method: clinical testing. Allele origin: germline. Not counted in ClinVar's aggregate classification.